The following is an entry in ClinVar:

NM_001983.4(ERCC1):c.426-168C>G

Gene: ERCC1 (ERCC excision repair 1, endonuclease non-catalytic subunit; minus strand). Cytogenetic location: 19q13.32.
Variant type: single nucleotide variant.
Coding change: c.426-168C>G on transcript NM_001983.4 (MANE Select); 168 bases into the intron before coding-DNA position 426, C replaced by G.
Molecular consequence: intron variant.
Genome position (GRCh38, 1-based): chr19:45,419,365, G>C on the plus strand (C>G on the coding strand, the complement: ERCC1 is on the minus strand). VCF-style: chr19-45419365-G-C. GRCh37 (hg19) VCF-style: chr19-45922623-G-C.
Other names: c.426-168C>G (NM_001369412.1, NM_001369413.1, NM_001369417.1 and 11 more transcripts).
Identifiers: ClinVar variation 1804560 (VCV001804560.1), dbSNP rs56017284, ClinGen allele CA9515443.

ClinVar aggregate classification (germline): Likely benign (1 of 4 stars; one submission).

Allele frequency attached by ClinVar (database versions not stated): gnomAD exomes 0.00058; gnomAD 0.00444; ExAC 0.00450; TOPMed 0.00510; 1000 Genomes Project 0.00539; 1000 Genomes Project 30x 0.00609.
gnomAD v4.1: 973 of 636,018 alleles (0.15%); highest among the groups gnomAD compares: African/African-American, 1.5%; 7 homozygotes.

Submission:

GeneDx
Classification: Likely benign. Last evaluated: 2019-06-12. Review status: criteria provided, single submitter. Criteria: GeneDx Variant Classification Process June 2021. Collection method: clinical testing. Allele origin: germline. Affected: yes.
Comment: See Variant Classification Assertion Criteria.